The following is an entry in ClinVar:

ClinVar aggregate classification (germline): Pathogenic. Review status: criteria provided, multiple submitters, no conflicts (2 of 4 stars). 3 submissions from 3 submitters: Pathogenic (2). 1 of the submissions does not count toward it. Last evaluated 2021-02-10.

Conditions:
Breast-ovarian cancer, familial, susceptibility to, 1 (BROVCA1). Also called: BRCA1 Hereditary Breast and Ovarian Cancer; OVARIAN CANCER, SUSCEPTIBILITY TO. Identifiers: Orphanet 145, MedGen C2676676, MONDO:0011450, OMIM 604370. Disease mechanism: loss of function.
Hereditary cancer-predisposing syndrome. Also called: Hereditary Cancer Syndrome; Hereditary neoplastic syndrome; Neoplastic Syndromes, Hereditary; Tumor predisposition. Identifiers: Orphanet 140162, MedGen C0027672, MeSH D009386, MONDO:0015356.

Submissions (3):

Ambry Genetics
Classification: Pathogenic for Hereditary cancer-predisposing syndrome. Last evaluated: 2021-02-10. Review status: criteria provided, single submitter. Criteria: Ambry Variant Classification Scheme 2023. Collection method: clinical testing. Allele origin: germline.
Comment: The c.671-1G>A intronic variant results from a G to A substitution one nucleotide upstream from coding exon 9 of the BRCA1 gene. This nucleotide position is highly conserved in available vertebrate species. This alteration was identified in a large, worldwide study of BRCA1/2 mutation positive families (Rebbeck TR et al. Hum Mutat, 2018 05;39:593-620), and in a cohort of 466 breast/ovarian cancer families (Evans DG et al. J Med Genet, 2003 Sep;40:e107). Another alteration impacting the same acceptor site (c.671-2A>C) has been described in a high-risk breast cancer family and was shown to result in an aberrant RNA splicing transcript without exon 9 (Exon 11 in the literature; Keaton JC et al. J. Hum. Genet. 2003 ; 48(8):399-403). In silico splice site analysis predicts that this alteration will weaken the native splice acceptor site, however, direct evidence is insufficient at this time (Ambry internal data). Alterations that disrupt the canonical splice site are expected to cause aberrant splicing, resulting in an abnormal protein or a transcript that is subject to nonsense-mediated mRNA decay; however this exon, which comprises over 50% of the BRCA1 protein, is absent in part or in whole in naturally occurring alternative splicing isoforms (Colombo M et al. Hum Mol Genet 2014 Jul;23(14):3666-80). Functional studies have shown that loss of this exon may impair cellular localization and have reduced, but not lost, DNA damage repair function (Thakur S et al. Mol Cell Biol 1997 Jan;17(1):444-52, Huber LJ et al. Mol Cell Biol 2001 Jun;21(12):4005-15, Kim SS et al. Mol Cell Biol 2006 Sep;26(18):6983-92). Additionally, mouse embryos with homozygous BRCA1 coding exon 9 deletions survive longer than BRCA1-null embryos, suggesting protein without exon 9 may still be able to perform some BRCA1 essential functions (Huber LJ et al. Mol Cell Biol 2001 Jun;21(12):4005-15). Based on the majority of available evidence to date, this variant is pathogenic. However, carriers of this variant and their families may present with reduced risks, and not with the typical clinical characteristics of a high-risk pathogenic BRCA1 alteration. As risk estimates are unknown at this time, clinical correlation is advised.

Consortium of Investigators of Modifiers of BRCA1/2 (CIMBA), c/o University of Cambridge
Classification: Pathogenic for Breast-ovarian cancer, familial, susceptibility to, 1. Last evaluated: 2015-10-02. Review status: criteria provided, single submitter. Criteria: CIMBA Mutation Classification guidelines May 2016. Collection method: clinical testing. Allele origin: germline.

BRCAlab, Lund University
Classification: Likely pathogenic for Breast-ovarian cancer, familial, susceptibility to, 1. Last evaluated: 2020-03-02. Review status: no assertion criteria provided. Collection method: clinical testing. Allele origin: germline. Affected: yes. Not counted in ClinVar's aggregate classification.

Literature cited by the submitters: PubMed 11359908 (cited by Ambry Genetics); PubMed 12960223 (cited by Ambry Genetics); PubMed 16943438 (cited by Ambry Genetics); PubMed 24569164 (cited by Ambry Genetics); PubMed 29446198 (cited by Ambry Genetics); PubMed 8972225 (cited by Ambry Genetics).

NM_007294.4(BRCA1):c.671-1G>A

Gene: BRCA1 (BRCA1 DNA repair associated; minus strand). Cytogenetic location: 17q21.31.
Variant type: single nucleotide variant.
Coding change: c.671-1G>A on transcript NM_007294.4 (MANE Select); the canonical splice acceptor site of the intron before coding-DNA position 671, G replaced by A.
Molecular consequence: splice acceptor variant. On other transcripts: intron variant (13).
Genome position (GRCh38, 1-based): chr17:43,094,861, C>T on the plus strand (G>A on the coding strand, the complement: BRCA1 is on the minus strand). VCF-style: chr17-43094861-C-T. GRCh37 (hg19) VCF-style: chr17-41246878-C-T.
Other names: c.338-1G>A (NM_001407950.1, NM_001407948.1, NM_001408502.1 and 7 more transcripts); c.461-1G>A (NM_001408484.1, NM_001408478.1, NM_001407907.1 and 25 more transcripts); c.545-1G>A (NM_001408450.1, NM_001408434.1, NM_001407672.1 and 20 more transcripts); c.668-1G>A (NM_001408398.1, NM_001407992.1, NM_001407629.1 and 38 more transcripts); c.548-1G>A (NM_001408440.1, NM_001408428.1, NM_001407678.1 and 34 more transcripts); c.670+985G>A (NM_001408418.1, NM_001408423.1, NM_001408420.1 and 2 more transcripts); c.671-1G>A (NM_001407981.1, NM_007298.4, NM_001407978.1 and 53 more transcripts); c.458-1G>A (NM_001407917.1, NM_001407899.1, NM_001408493.1 and 12 more transcripts); and 20 more.
Identifiers: ClinVar variation 55662 (VCV000055662.7), dbSNP rs80358020, ClinGen allele CA003803.